The following is an entry in ClinVar:

ClinVar aggregate classification (germline): Pathogenic (1 of 4 stars; one submission).

Submission:

Illumina Laboratory Services, Illumina
Classification: Pathogenic. Last evaluated: 2022-03-01. Review status: criteria provided, single submitter. Criteria: ICSL CNVClassificationCriteria Aug2020. Collection method: clinical testing. Allele origin: unknown.
Comment: This CNV is a 4.4 Mb deletion of 3q26.33-q27.2 on chromosome 3, (seq[GRCh37]del(3)(q26.33q27.2); chr3:g.181062175_185474509del), found in a de novo state. This CNV constitutes a loss encompassing 43 protein coding genes, including the SOX2 gene, which is associated with SOX2 disorder, a disorder characterized by microphthalmia, developmental delays, learning disabilities, seizures, genital abnormalities, esophageal atresia and/or tracheoesophageal fistula, and growth failure (Williamson et al. 2020). Similar CNVs have been reported in individuals with microphthalmia or anophthalmia, intellectual disability, micropenis, hypotonia, muscular hypertrophy, growth deficiency, severe feeding problems, and dysmorphic features (Guichet et al. 2004; Mandrile et al. 2013; Salem et al. 2013). Where inheritance could be determined, similar deletions have been identified in a de novo (Mandrile et al. 2013; Salem et al. 2013). This CNV has not been reported in controls. Based on the available evidence, this CNV is classified as pathogenic.

Literature cited by the submitters: PubMed 15503273; PubMed 20301477; PubMed 23357683; PubMed 23613260.

GRCh37/hg19 3q26.33-27.2(chr3:181062175-185474509)x1

Genes: ABCC5 (ATP binding cassette subfamily C member 5; minus strand), ABCF3 (ATP binding cassette subfamily F member 3; plus strand), ALG3 (ALG3 alpha-1,3- mannosyltransferase; minus strand), AP2M1 (adaptor related protein complex 2 subunit mu 1; plus strand), ATP11B (ATPase phospholipid transporting 11B (putative); plus strand) and 38 more. Cytogenetic location: 3q26.33-27.2.
Variant type: copy number loss.
Change: copy number 1 (one copy instead of two) of chr3:181,062,175-185,474,509 (4.41 Mb, GRCh37 coordinates, 1-based), cytogenetic band 3q26.33-27.2.
Identifiers: ClinVar variation 1710512 (VCV001710512.3).